The following is an entry in ClinVar:

ClinVar aggregate classification (germline): Uncertain significance (1 of 4 stars; one submission).

Conditions:
Primary ciliary dyskinesia. Also called: Ciliary dyskinesia. Identifiers: Orphanet 244, MedGen C0008780, MONDO:0016575, HP:0012265.

Allele frequency attached by ClinVar (database versions not stated): TOPMed below 0.00001.
gnomAD v4.1: 8 of 1,614,126 alleles (0.0005%); highest among the groups gnomAD compares: Admixed American, 0.0033%; no homozygotes.

Submission:

Ambry Genetics
Classification: Uncertain significance for Primary ciliary dyskinesia. Last evaluated: 2023-03-20. Review status: criteria provided, single submitter. Criteria: Ambry Variant Classification Scheme 2023. Collection method: clinical testing. Allele origin: germline.
Comment: The p.S621N variant (also known as c.1862G>A), located in coding exon 12 of the ARMC4 gene, results from a G to A substitution at nucleotide position 1862. The serine at codon 621 is replaced by asparagine, an amino acid with highly similar properties. This amino acid position is conserved. In addition, this alteration is predicted to be tolerated by in silico analysis. Since supporting evidence is limited at this time, the clinical significance of this alteration remains unclear.

NM_018076.5(ODAD2):c.1862G>A (p.Ser621Asn)

Gene: ODAD2 (outer dynein arm docking complex subunit 2; minus strand). Cytogenetic location: 10p12.1.
Variant type: single nucleotide variant.
Coding change: c.1862G>A on transcript NM_018076.5 (MANE Select); coding-DNA position 1862, G replaced by A.
Protein change: p.Ser621Asn; replaces serine 621 with asparagine.
Molecular consequence: missense variant.
Genome position (GRCh38, 1-based): chr10:27,940,687, C>T on the plus strand (G>A on the coding strand, the complement: ODAD2 is on the minus strand). VCF-style: chr10-27940687-C-T. GRCh37 (hg19) VCF-style: chr10-28229616-C-T.
Other names: c.1862G>A, p.Ser621Asn (NM_001290020.2); c.437G>A, p.Ser146Asn (NM_001290021.2); c.938G>A, p.Ser313Asn (NM_001312689.2); short protein forms S621N, S313N, S146N.
Identifiers: ClinVar variation 2563325 (VCV002563325.2), dbSNP rs1216485414, ClinGen allele CA376392588.
Genomic context (GRCh38, chr10:27,940,687, plus strand): 5'-AGCAGCCGAGCCAACAGAGGAATGCCCCCAGCTTTGCGGATGGCTTCTTTATTCGTATGA[C>T]TCTTACTGCAGCTCCACAGGGCCAGTGCCCCACAGCGAGCCACTTCCACGTCTCTGGCCT-3'
Protein context (NP_060546.2, residues 611-631): GALALWSCSK[Ser621Asn]HTNKEAIRKA